The following is an entry in ClinVar:

ClinVar aggregate classification (germline): Uncertain significance (1 of 4 stars; one submission).

Conditions:
Mitochondrial complex II deficiency, nuclear type 1. Also called: SUCCINATE CoQ REDUCTASE DEFICIENCY. Identifiers: Orphanet 3208, MedGen C5700310, MONDO:0100294, OMIM 252011.
Pheochromocytoma/paraganglioma syndrome 5. Also called: Paragangliomas 5; SDHA-Related Hereditary Paraganglioma-Pheochromocytoma Syndrome. Identifiers: Orphanet 29072, MedGen C3279992, MONDO:0013602, OMIM 614165.

Submission:

Labcorp Genetics (formerly Invitae), Labcorp
Classification: Uncertain significance for Pheochromocytoma/paraganglioma syndrome 5; Mitochondrial complex II deficiency, nuclear type 1. Last evaluated: 2020-04-08. Review status: criteria provided, single submitter. Criteria: Invitae Variant Classification Sherloc (09022015). Collection method: clinical testing. Allele origin: germline.
Comment: In summary, the available evidence is currently insufficient to determine the role of this variant in disease. Therefore, it has been classified as a Variant of Uncertain Significance. This sequence change replaces glycine with arginine at codon 354 of the SDHA protein (p.Gly354Arg). The glycine residue is highly conserved and there is a moderate physicochemical difference between glycine and arginine. This variant is not present in population databases (ExAC no frequency). This variant has not been reported in the literature in individuals with SDHA-related conditions. Algorithms developed to predict the effect of missense changes on protein structure and function (SIFT, PolyPhen-2, Align-GVGD) all suggest that this variant is likely to be disruptive, but these predictions have not been confirmed by published functional studies and their clinical significance is uncertain.

NM_004168.4(SDHA):c.1060G>C (p.Gly354Arg)

Gene: SDHA (succinate dehydrogenase complex flavoprotein subunit A; plus strand). Cytogenetic location: 5p15.33.
Variant type: single nucleotide variant.
Coding change: c.1060G>C on transcript NM_004168.4 (MANE Select); coding-DNA position 1060, G replaced by C.
Protein change: p.Gly354Arg; replaces glycine 354 with arginine.
Molecular consequence: missense variant.
Genome position (GRCh38, 1-based): chr5:233,641, G>C. VCF-style: chr5-233641-G-C. GRCh37 (hg19) VCF-style: chr5-233756-G-C.
Other names: c.916G>C, p.Gly306Arg (NM_001294332.2); c.1060G>C, p.Gly354Arg (NM_001330758.2); short protein forms G306R, G354R.
Identifiers: ClinVar variation 1005266 (VCV001005266.13), dbSNP rs746611221, ClinGen allele CA359013020.